The following is an entry in ClinVar:

ClinVar aggregate classification (germline): Uncertain significance (1 of 4 stars; one submission).

Allele frequency attached by ClinVar (database versions not stated): gnomAD exomes 0.00001; TOPMed 0.00001 and 0.00002; gnomAD 0.00001.
gnomAD v4.1: 6 of 1,614,126 alleles (0.00037%); highest among the groups gnomAD compares: African/African-American, 0.0053%; no homozygotes.

Submission:

GeneDx
Classification: Uncertain significance. Last evaluated: 2017-06-28. Review status: criteria provided, single submitter. Criteria: GeneDx Variant Classification (06012015). Collection method: clinical testing. Allele origin: germline. Affected: yes.
Comment: The M2534I variant in the RNF213 gene has not been reported previously as a pathogenic variant, nor as a benign variant, to our knowledge. The M2534I variant is not observed in large population cohorts (Lek et al., 2016; 1000 Genomes Consortium et al., 2015; Exome Variant Server). The M2534I variant is a conservative amino acid substitution, which is not likely to impact secondary protein structure as these residues share similar properties. This substitution occurs at a position that is not conserved. In silico analysis is inconsistent in its predictions as to whether or not the variant is damaging to the protein structure/function. We interpret M2534I as a variant of uncertain significance.

NM_001256071.3(RNF213):c.7602G>A (p.Met2534Ile)

Gene: RNF213 (ring finger protein 213; plus strand). Cytogenetic location: 17q25.3.
Variant type: single nucleotide variant.
Coding change: c.7602G>A on transcript NM_001256071.3 (MANE Select); coding-DNA position 7602, G replaced by A.
Protein change: p.Met2534Ile; replaces methionine 2534 with isoleucine.
Molecular consequence: missense variant.
Genome position (GRCh38, 1-based): chr17:80,345,937, G>A. VCF-style: chr17-80345937-G-A. GRCh37 (hg19) VCF-style: chr17-78319737-G-A.
Other names: short protein forms M2534I.
Identifiers: ClinVar variation 450086 (VCV000450086.2), dbSNP rs944185612, ClinGen allele CA294914313.
Genomic context (GRCh38, chr17:80,345,937, plus strand): 5'-GGACTCTGGCCTGCATATTATAGCTGCCTGCAATCCATACCGGAAGCACTCTGAGGAGAT[G>A]ATCTGCCGTTTGGAGTCAGCTGGTTTGGGCTACAGGGTTAGTATGGAGGAGACGGCCGAC-3'
Protein context (NP_001243000.2, residues 2524-2544): CNPYRKHSEE[Met2534Ile]ICRLESAGLG